The following is an entry in ClinVar:

NM_001273.5(CHD4):c.689C>T (p.Ala230Val)

Gene: CHD4 (chromodomain helicase DNA binding protein 4; minus strand). Cytogenetic location: 12p13.31.
Variant type: single nucleotide variant.
Coding change: c.689C>T on transcript NM_001273.5 (MANE Select); coding-DNA position 689, C replaced by T.
Protein change: p.Ala230Val; replaces alanine 230 with valine.
Molecular consequence: missense variant.
Genome position (GRCh38, 1-based): chr12:6,601,399, G>A on the plus strand (C>T on the coding strand, the complement: CHD4 is on the minus strand). VCF-style: chr12-6601399-G-A. GRCh37 (hg19) VCF-style: chr12-6710565-G-A.
Other names: c.668C>T, p.Ala223Val (NM_001297553.2); c.689C>T, p.Ala230Val (NM_001363606.2); short protein forms A223V, A230V.
Identifiers: ClinVar variation 2663673 (VCV002663673.1), dbSNP rs2540414265, ClinGen allele CA383602942.

ClinVar aggregate classification (germline): Uncertain significance (1 of 4 stars; one submission).

Allele frequency attached by ClinVar (database versions not stated): gnomAD exomes below 0.00001.
gnomAD v4.1: 1 of 1,614,156 alleles (0.000062%); highest among the groups gnomAD compares: Non-Finnish European, 0.000085%; no homozygotes.

Submission:

GeneDx
Classification: Uncertain significance. Last evaluated: 2023-04-29. Review status: criteria provided, single submitter. Criteria: GeneDx Variant Classification Process June 2021. Collection method: clinical testing. Allele origin: germline. Affected: yes.
Comment: Not observed at significant frequency in large population cohorts (gnomAD); In silico analysis supports that this missense variant does not alter protein structure/function; Has not been previously published as pathogenic or benign to our knowledge